The following is an entry in ClinVar:

ClinVar aggregate classification (germline): Benign (0 of 4 stars; one submission).

Conditions:
TAF15-related disorder. Also called: TAF15-related condition.

Submission:

PreventionGenetics, part of Exact Sciences
Classification: Benign for TAF15-related condition. Last evaluated: 2019-02-26. Review status: no assertion criteria provided. Collection method: clinical testing. Allele origin: germline.
Comment: This variant is classified as benign based on ACMG/AMP sequence variant interpretation guidelines (Richards et al. 2015 PMID: 25741868, with internal and published modifications).

NM_139215.3(TAF15):c.1344_1370del (p.442SGGGYGGDR[1])

Gene: TAF15 (TATA-box binding protein associated factor 15; plus strand). Cytogenetic location: 17q12.
Variant type: Deletion.
Coding change: c.1344_1370del on transcript NM_139215.3 (MANE Select); coding-DNA positions 1344 to 1370, 27 bases deleted (AGACAGAAGTGGGGGTGGCTATGGTGG).
Protein change: p.442SGGGYGGDR[1].
Genome position (GRCh38, 1-based): chr17:35,844,643-35,844,669, AGACAGAAGTGGGGGTGGCTATGGTGG deleted; deleting any 27 consecutive bases within chr17:35,844,632-35,844,669 gives the same sequence; the c. name uses the placement nearest the transcript's 3' end. VCF-style (leftmost placement, unchanged base first): chr17-35844631-CGGCTATGGTGGAGACAGAAGTGGGGGT-C. GRCh37 (hg19) VCF-style: chr17-34171635-CGGCTATGGTGGAGACAGAAGTGGGGGT-C.
Other names: c.1335_1361del, p.439SGGGYGGDR[1] (NM_003487.4).
Identifiers: ClinVar variation 3047913 (VCV003047913.2), dbSNP rs779360454, ClinGen allele CA290041292.
Genomic context (GRCh38, chr17:35,844,631, plus strand): 5'-GGGTGGCTATGGTGGAGACAGAAGCAGCGGTGGTGGCTACAGCGGAGATAGAAGTGGGGG[CGGCTATGGTGGAGACAGAAGTGGGGGT>C]GGCTATGGTGGGGACAGAGGCGGCGGCTATGGTGGGGACAGAGGAGGCGGCTATGGAGGA-3'